The following is an entry in ClinVar:

NM_001130009.3(GEN1):c.1913G>C (p.Arg638Thr)

Gene: GEN1 (GEN1 structure-specific endonuclease; plus strand). Cytogenetic location: 2p24.2.
Variant type: single nucleotide variant.
Coding change: c.1913G>C on transcript NM_001130009.3 (MANE Select); coding-DNA position 1913, G replaced by C.
Protein change: p.Arg638Thr; replaces arginine 638 with threonine.
Molecular consequence: missense variant.
Genome position (GRCh38, 1-based): chr2:17,781,125, G>C. VCF-style: chr2-17781125-G-C. GRCh37 (hg19) VCF-style: chr2-17962392-G-C.
Other names: c.1913G>C, p.Arg638Thr (NM_182625.5); short protein forms R638T.
Identifiers: ClinVar variation 4857964 (VCV004857964.1).

ClinVar aggregate classification (germline): Uncertain significance (1 of 4 stars; one submission).

gnomAD v4.1: 1 of 1,613,840 alleles (0.000062%); highest among the groups gnomAD compares: South Asian, 0.0011%; no homozygotes.

Submission:

Ambry Genetics
Classification: Uncertain significance. Last evaluated: 2026-04-24. Review status: criteria provided, single submitter. Criteria: Ambry Variant Classification Scheme 2023. Collection method: clinical testing. Allele origin: germline.
Comment: The p.R638T variant (also known as c.1913G>C), located in coding exon 13 of the GEN1 gene, results from a G to C substitution at nucleotide position 1913. The arginine at codon 638 is replaced by threonine, an amino acid with similar properties. This amino acid position is conserved. In addition, this alteration is predicted to be tolerated by in silico analysis. Based on the available evidence, the clinical significance of this variant remains unclear.